The following is an entry in ClinVar:

ClinVar aggregate classification (germline): Likely benign. Review status: criteria provided, multiple submitters, no conflicts (2 of 4 stars). 4 submissions from 3 submitters: Likely benign (4). Last evaluated 2026-01-25.

Conditions:
Autosomal recessive limb-girdle muscular dystrophy type 2F (LGMDR6). Also called: MUSCULAR DYSTROPHY, LIMB-GIRDLE, AUTOSOMAL RECESSIVE 6; Muscular dystrophy limb-girdle with delta-sarcoglyan deficiency. Identifiers: Orphanet 219, MedGen C1832525, MONDO:0011028, OMIM 601287. Disease mechanism: Affects gamma-sarcoglycan and also disrupts the integrity of the entire sarcoglycan complex..
Dilated cardiomyopathy 1L (CMD1L). Identifiers: Orphanet 154, MedGen C1847667, MONDO:0011702, OMIM 606685.

Allele frequency attached by ClinVar (database versions not stated): gnomAD exomes 0.00002 and 0.00006; TOPMed 0.00002; gnomAD 0.00003; ExAC 0.00004; ESP Exome Variant Server 0.00008.
gnomAD v4.1: 81 of 1,423,492 alleles (0.0057%); highest among the groups gnomAD compares: Non-Finnish European, 0.008%; no homozygotes.

Submissions (4):

Labcorp Genetics (formerly Invitae), Labcorp
Classification: Likely benign for Autosomal recessive limb-girdle muscular dystrophy type 2F. Last evaluated: 2026-01-25. Review status: criteria provided, single submitter. Criteria: Invitae Variant Classification Sherloc (09022015). Collection method: clinical testing. Allele origin: germline.

Genome-Nilou Lab
Classification: Likely benign for Autosomal recessive limb-girdle muscular dystrophy type 2F. Last evaluated: 2023-02-08. Review status: criteria provided, single submitter. Criteria: ACMG Guidelines, 2015. Collection method: clinical testing. Allele origin: germline.

Genome-Nilou Lab
Classification: Likely benign for Dilated cardiomyopathy 1L. Last evaluated: 2023-02-08. Review status: criteria provided, single submitter. Criteria: ACMG Guidelines, 2015. Collection method: clinical testing. Allele origin: germline.

GeneDx
Classification: Likely benign. Last evaluated: 2016-09-30. Review status: criteria provided, single submitter. Criteria: GeneDx Variant Classification (06012015). Collection method: clinical testing. Allele origin: germline. Affected: yes.
Comment: This variant is considered likely benign or benign based on one or more of the following criteria: it is a conservative change, it occurs at a poorly conserved position in the protein, it is predicted to be benign by multiple in silico algorithms, and/or has population frequency not consistent with disease.

NM_000337.6(SGCD):c.294+15A>C

Gene: SGCD (sarcoglycan delta; plus strand). Cytogenetic location: 5q33.3.
Variant type: single nucleotide variant.
Coding change: c.294+15A>C on transcript NM_000337.6 (MANE Select); 15 bases into the intron after coding-DNA position 294, A replaced by C.
Molecular consequence: intron variant.
Genome position (GRCh38, 1-based): chr5:156,508,717, A>C. VCF-style: chr5-156508717-A-C. GRCh37 (hg19) VCF-style: chr5-155935727-A-C.
Other names: c.291+15A>C (NM_001128209.2); c.294+15A>C (NM_172244.3).
Identifiers: ClinVar variation 378576 (VCV000378576.6), dbSNP rs377470284, ClinGen allele CA3530552.